The following is an entry in ClinVar:

ClinVar aggregate classification (germline): Uncertain significance (1 of 4 stars; one submission).

gnomAD v4.1: 1 of 1,535,222 alleles (0.000065%); highest among the groups gnomAD compares: Non-Finnish European, 0.00009%; no homozygotes.

Submission:

Labcorp Genetics (formerly Invitae), Labcorp
Classification: Uncertain significance. Last evaluated: 2025-06-09. Review status: criteria provided, single submitter. Criteria: Invitae Variant Classification Sherloc (09022015). Collection method: clinical testing. Allele origin: germline.
Comment: This sequence change replaces glycine, which is neutral and non-polar, with aspartic acid, which is acidic and polar, at codon 485 of the MSH3 protein (p.Gly485Asp). This variant is not present in population databases (gnomAD no frequency). This variant has not been reported in the literature in individuals affected with MSH3-related conditions. ClinVar contains an entry for this variant (Variation ID: 1052253). An algorithm developed to predict the effect of missense changes on protein structure and function outputs the following: PolyPhen-2: "Benign". The aspartic acid amino acid residue is found in multiple mammalian species, which suggests that this missense change does not adversely affect protein function. In summary, the available evidence is currently insufficient to determine the role of this variant in disease. Therefore, it has been classified as a Variant of Uncertain Significance.

NM_002439.5(MSH3):c.1454G>A (p.Gly485Asp)

Gene: MSH3 (mutS homolog 3; plus strand). Cytogenetic location: 5q14.1.
Variant type: single nucleotide variant.
Coding change: c.1454G>A on transcript NM_002439.5 (MANE Select); coding-DNA position 1454, G replaced by A.
Protein change: p.Gly485Asp; replaces glycine 485 with aspartic acid.
Molecular consequence: missense variant.
Genome position (GRCh38, 1-based): chr5:80,728,851, G>A. VCF-style: chr5-80728851-G-A. GRCh37 (hg19) VCF-style: chr5-80024670-G-A.
Other names: short protein forms G485D.
Identifiers: ClinVar variation 1052253 (VCV001052253.9), dbSNP rs1743352233, ClinGen allele CA360274140.
Genomic context (GRCh38, chr5:80,728,851, plus strand): 5'-TTTTTAATTTGATTAATTTAAAAGAATTTTTATAACAAGTTAATATATTCTGTTTTCTAG[G>A]TTCTCAAATTATTTCTGGCATTGTTAACTTAGAGAAGCCTGTGATTTGCTCTTTGGCTGC-3'
Protein context (NP_002430.3, residues 475-495): FYAKDTVDIK[Gly485Asp]SQIISGIVNL